The following is an entry in ClinVar:

ClinVar aggregate classification (germline): Uncertain significance. Review status: criteria provided, multiple submitters, no conflicts (2 of 4 stars). 2 submissions from 2 submitters: Uncertain significance (2). Last evaluated 2022-07-16.

Allele frequency attached by ClinVar (database versions not stated): ExAC 0.00001; gnomAD 0.00001; gnomAD exomes 0.00001; TOPMed 0.00001.
gnomAD v4.1: 12 of 1,613,744 alleles (0.00074%); highest among the groups gnomAD compares: East Asian, 0.0022%; no homozygotes.

Submissions (2):

Labcorp Genetics (formerly Invitae), Labcorp
Classification: Uncertain significance. Last evaluated: 2022-07-16. Review status: criteria provided, single submitter. Criteria: Invitae Variant Classification Sherloc (09022015). Collection method: clinical testing. Allele origin: germline.
Comment: This sequence change replaces proline, which is neutral and non-polar, with leucine, which is neutral and non-polar, at codon 62 of the ACO2 protein (p.Pro62Leu). The frequency data for this variant in the population databases is considered unreliable, as metrics indicate poor data quality at this position in the gnomAD database. This variant has not been reported in the literature in individuals affected with ACO2-related conditions. Advanced modeling of protein sequence and biophysical properties (such as structural, functional, and spatial information, amino acid conservation, physicochemical variation, residue mobility, and thermodynamic stability) performed at Invitae indicates that this missense variant is expected to disrupt ACO2 protein function. In summary, the available evidence is currently insufficient to determine the role of this variant in disease. Therefore, it has been classified as a Variant of Uncertain Significance.

GeneDx
Classification: Uncertain significance. Last evaluated: 2022-06-27. Review status: criteria provided, single submitter. Criteria: GeneDx Variant Classification Process June 2021. Collection method: clinical testing. Allele origin: germline. Affected: yes.
Comment: Not observed at significant frequency in large population cohorts (gnomAD); In silico analysis supports that this missense variant has a deleterious effect on protein structure/function; Has not been previously published as pathogenic or benign to our knowledge

NM_001098.3(ACO2):c.185C>T (p.Pro62Leu)

Gene: ACO2 (aconitase 2; plus strand). Cytogenetic location: 22q13.2.
Variant type: single nucleotide variant.
Coding change: c.185C>T on transcript NM_001098.3 (MANE Select); coding-DNA position 185, C replaced by T.
Protein change: p.Pro62Leu; replaces proline 62 with leucine.
Molecular consequence: missense variant.
Genome position (GRCh38, 1-based): chr22:41,507,802, C>T. VCF-style: chr22-41507802-C-T. GRCh37 (hg19) VCF-style: chr22-41903806-C-T.
Other names: short protein forms P62L.
Identifiers: ClinVar variation 1810090 (VCV001810090.6), dbSNP rs759393809, ClinGen allele CA10257311.